The following is an entry in ClinVar:

ClinVar aggregate classification (germline): Benign. Review status: criteria provided, multiple submitters, no conflicts (2 of 4 stars). 2 submissions from 2 submitters: Benign (2). Last evaluated 2018-06-18.

Allele frequency attached by ClinVar (database versions not stated): 1000 Genomes Project 0.04952; 1000 Genomes Project 30x 0.05028; TOPMed 0.08367; gnomAD 0.08435 and 0.08523; ESP Exome Variant Server 0.09073; gnomAD exomes 0.09723 and 0.11701; ExAC 0.09783.
gnomAD v4.1: 156,591 of 1,378,244 alleles (11%); highest among the groups gnomAD compares: Middle Eastern, 20%; 9,911 homozygotes.

Submissions (2):

GeneDx
Classification: Benign. Last evaluated: 2018-06-18. Review status: criteria provided, single submitter. Criteria: GeneDx Variant Classification (06012015). Collection method: clinical testing. Allele origin: germline. Affected: yes.
Comment: This variant is considered likely benign or benign based on one or more of the following criteria: it is a conservative change, it occurs at a poorly conserved position in the protein, it is predicted to be benign by multiple in silico algorithms, and/or has population frequency not consistent with disease.

Breakthrough Genomics
Classification: Benign. Review status: criteria provided, single submitter. Criteria: ACMG Guidelines, 2015. Collection method: not provided. Allele origin: germline. Inheritance: Autosomal recessive inheritance. Affected: yes.

NM_018127.7(ELAC2):c.433-43C>T

Gene: ELAC2 (elaC ribonuclease Z 2; minus strand). Cytogenetic location: 17p12.
Variant type: single nucleotide variant.
Coding change: c.433-43C>T on transcript NM_018127.7 (MANE Select); 43 bases into the intron before coding-DNA position 433, C replaced by T.
Molecular consequence: intron variant.
Genome position (GRCh38, 1-based): chr17:13,014,539, G>A on the plus strand (C>T on the coding strand, the complement: ELAC2 is on the minus strand). VCF-style: chr17-13014539-G-A. GRCh37 (hg19) VCF-style: chr17-12917856-G-A.
Other names: c.433-43C>T (NM_001165962.2, NM_173717.2).
Identifiers: ClinVar variation 676209 (VCV000676209.2), dbSNP rs56004910, ClinGen allele CA8401661.